The following is an entry in ClinVar:

NM_002303.6(LEPR):c.704-8T>C

Gene: LEPR (leptin receptor; plus strand). Cytogenetic location: 1p31.3.
Variant type: single nucleotide variant.
Coding change: c.704-8T>C on transcript NM_002303.6 (MANE Select); 8 bases into the intron before coding-DNA position 704, T replaced by C.
Molecular consequence: intron variant.
Genome position (GRCh38, 1-based): chr1:65,596,440, T>C. VCF-style: chr1-65596440-T-C. GRCh37 (hg19) VCF-style: chr1-66062123-T-C.
Other names: c.704-8T>C (NM_001003679.3, NM_001003680.3, NM_001198689.2 and 2 more transcripts).
Identifiers: ClinVar variation 876825 (VCV000876825.6), dbSNP rs183928195, ClinGen allele CA894633.
Genomic context (GRCh38, chr1:65,596,440, plus strand): 5'-TATTTTATTCAGCTATAATTGTCATGAAAATTACTTGACTTAAAAGTATTCTCTTTTTTT[T>C]CCTTAAGTGAAGCCTGATCCACCATTAGGTTTGCATATGGAAATCACAGATGATGGTAAT-3'

ClinVar aggregate classification (germline): Uncertain significance. Review status: criteria provided, single submitter (1 of 4 stars). 2 submissions from 2 submitters: Uncertain significance (1). 1 of the submissions does not count toward it. Last evaluated 2018-01-15.

Conditions:
LEPR-related disorder. Also called: LEPR-related disorders; LEPR-related condition.
Obesity due to leptin receptor gene deficiency. Identifiers: Orphanet 179494, MedGen C3554225, MONDO:0013992, OMIM 614963.

Allele frequency attached by ClinVar (database versions not stated): 1000 Genomes Project 30x 0.00047; gnomAD 0.00005 and 0.00003; ExAC 0.00011; TOPMed 0.00004; gnomAD exomes 0.00010; 1000 Genomes Project 0.00060.
gnomAD v4.1: 41 of 1,612,350 alleles (0.0025%); highest among the groups gnomAD compares: East Asian, 0.071%; no homozygotes.

Submissions (2):

Illumina Laboratory Services, Illumina
Classification: Uncertain significance for Obesity due to leptin receptor gene deficiency. Last evaluated: 2018-01-15. Review status: criteria provided, single submitter. Criteria: ICSL Variant Classification Criteria 13 December 2019. Collection method: clinical testing. Allele origin: germline.

PreventionGenetics, part of Exact Sciences
Classification: Likely benign for LEPR-related condition. Last evaluated: 2022-05-10. Review status: no assertion criteria provided. Collection method: clinical testing. Allele origin: germline. Not counted in ClinVar's aggregate classification.
Comment: This variant is classified as likely benign based on ACMG/AMP sequence variant interpretation guidelines (Richards et al. 2015 PMID: 25741868, with internal and published modifications).